The following is an entry in ClinVar:

ClinVar aggregate classification (germline): Benign/Likely benign. Review status: criteria provided, multiple submitters, no conflicts (2 of 4 stars). 4 submissions from 4 submitters: Benign (1); Likely benign (3). Last evaluated 2025-01-05.

Conditions:
Hereditary nonpolyposis colorectal neoplasms. Identifiers: MedGen C0009405, MeSH D003123.
Hereditary cancer-predisposing syndrome. Also called: Tumor predisposition; Neoplastic Syndromes, Hereditary; Hereditary Cancer Syndrome; Hereditary neoplastic syndrome. Identifiers: Orphanet 140162, MedGen C0027672, MeSH D009386, MONDO:0015356.
Lynch syndrome 5 (LYNCH5). Also called: Colorectal cancer, hereditary nonpolyposis, type 5; Hereditary non-polyposis colorectal cancer, type 5. Identifiers: Orphanet 144, MedGen C1833477, MONDO:0013710, OMIM 614350. Disease mechanism: loss of function.

Submissions (4):

Ambry Genetics
Classification: Likely benign for Hereditary cancer-predisposing syndrome. Last evaluated: 2025-01-05. Review status: criteria provided, single submitter. Criteria: Ambry Variant Classification Scheme 2023. Collection method: clinical testing. Allele origin: germline.

Myriad Genetics, Inc.
Classification: Benign for Lynch syndrome 5. Last evaluated: 2024-12-27. Review status: criteria provided, single submitter. Criteria: Myriad Autosomal Dominant, Autosomal Recessive and X-Linked Classification Criteria (2023). Collection method: clinical testing. Allele origin: unknown.
Comment: This variant is considered benign. This variant is a silent/synonymous amino acid change and it is not expected to impact splicing.

Labcorp Genetics (formerly Invitae), Labcorp
Classification: Likely benign for Hereditary nonpolyposis colorectal neoplasms. Last evaluated: 2023-12-13. Review status: criteria provided, single submitter. Criteria: Invitae Variant Classification Sherloc (09022015). Collection method: clinical testing. Allele origin: germline.

Color Diagnostics, LLC DBA Color Health
Classification: Likely benign for Hereditary cancer-predisposing syndrome. Last evaluated: 2023-10-09. Review status: criteria provided, single submitter. Criteria: ACMG Guidelines, 2015. Collection method: clinical testing. Allele origin: germline.

NM_000179.3(MSH6):c.1662T>C (p.Arg554=)

Gene: MSH6 (mutS homolog 6; plus strand). Cytogenetic location: 2p16.3.
Variant type: single nucleotide variant.
Coding change: c.1662T>C on transcript NM_000179.3 (MANE Select); coding-DNA position 1662, T replaced by C.
Protein change: p.Arg554=; no amino-acid change (arginine 554 retained).
Molecular consequence: synonymous variant.
Genome position (GRCh38, 1-based): chr2:47,799,645, T>C. VCF-style: chr2-47799645-T-C. GRCh37 (hg19) VCF-style: chr2-48026784-T-C.
Other names: c.756T>C, p.Arg252= (NM_001281493.2, NM_001281494.2); c.1272T>C, p.Arg424= (NM_001281492.2); c.1662T>C (NM_000179.2).
Identifiers: ClinVar variation 1105167 (VCV001105167.13), dbSNP rs2104359231, ClinGen allele CA426121475.